The following is an entry in ClinVar:

ClinVar aggregate classification (germline): Uncertain significance. Review status: criteria provided, multiple submitters, no conflicts (2 of 4 stars). 2 submissions from 2 submitters: Uncertain significance (2). Last evaluated 2025-11-03.

Conditions:
Loeys-Dietz syndrome 2 (LDS2). Also called: TGFBR2-Related Loeys-Dietz Syndrome; Marfan Syndrome type 2; Marfan like connective tissue disorder; MFS 2; AORTIC ANEURYSM, FAMILIAL THORACIC 3; MARFAN SYNDROME, TYPE II. Identifiers: Orphanet 284973, Orphanet 558, MedGen C2674574, MONDO:0012427, OMIM 610168.

Allele frequency attached by ClinVar (database versions not stated): TOPMed below 0.00001; gnomAD 0.00001; ExAC 0.00003.
gnomAD v4.1: 8 of 1,551,150 alleles (0.00052%); highest among the groups gnomAD compares: Middle Eastern, 0.018%; no homozygotes.

Submissions (2):

Labcorp Genetics (formerly Invitae), Labcorp
Classification: Uncertain significance for Loeys-Dietz syndrome 2. Last evaluated: 2025-11-03. Review status: criteria provided, single submitter. Criteria: Invitae Variant Classification Sherloc (09022015). Collection method: clinical testing. Allele origin: germline.
Comment: This sequence change replaces serine, which is neutral and polar, with phenylalanine, which is neutral and non-polar, at codon 79 of the TMPO protein (p.Ser79Phe). This variant is present in population databases (rs757406049, gnomAD 0.003%). This variant has not been reported in the literature in individuals affected with TMPO-related conditions. ClinVar contains an entry for this variant (Variation ID: 1790266). An algorithm developed to predict the effect of missense changes on protein structure and function (PolyPhen-2) suggests that this variant is likely to be disruptive. In summary, the available evidence is currently insufficient to determine the role of this variant in disease. Therefore, it has been classified as a Variant of Uncertain Significance.

Ambry Genetics
Classification: Uncertain significance. Last evaluated: 2025-05-17. Review status: criteria provided, single submitter. Criteria: Ambry Variant Classification Scheme 2023. Collection method: clinical testing. Allele origin: germline.

NM_001032283.3(TMPO):c.236C>T (p.Ser79Phe)

Genes: TMPO (thymopoietin; plus strand), TMPO-AS1 (TMPO antisense RNA 1; minus strand), LOC130008520 (ATAC-STARR-seq lymphoblastoid silent region 4752; plus strand). Cytogenetic location: 12q23.1.
Variant type: single nucleotide variant.
Coding change: c.236C>T on transcript NM_001032283.3 (MANE Select); coding-DNA position 236, C replaced by T.
Protein change: p.Ser79Phe; replaces serine 79 with phenylalanine.
Molecular consequence: missense variant. On other transcripts: non-coding transcript variant (1).
Genome position (GRCh38, 1-based): chr12:98,516,103, C>T. VCF-style: chr12-98516103-C-T. GRCh37 (hg19) VCF-style: chr12-98909881-C-T.
Other names: c.236C>T, p.Ser79Phe (NM_003276.2, NM_001032284.3, NM_001307975.2); short protein forms S79F.
Identifiers: ClinVar variation 1790266 (VCV001790266.8), dbSNP rs757406049, ClinGen allele CA6732137.